The following is an entry in ClinVar:

NM_001394372.1(BICRA):c.3341T>G (p.Leu1114Arg)

Gene: BICRA (BRD4 interacting chromatin remodeling complex associated protein; plus strand). Cytogenetic location: 19q13.33.
Variant type: single nucleotide variant.
Coding change: c.3341T>G on transcript NM_001394372.1 (MANE Select); coding-DNA position 3341, T replaced by G.
Protein change: p.Leu1114Arg; replaces leucine 1114 with arginine.
Molecular consequence: missense variant.
Genome position (GRCh38, 1-based): chr19:47,698,726, T>G. VCF-style: chr19-47698726-T-G. GRCh37 (hg19) VCF-style: chr19-48201983-T-G.
Other names: c.3341T>G, p.Leu1114Arg (NM_015711.3); short protein forms L1114R.
Identifiers: ClinVar variation 3901897 (VCV003901897.1).

ClinVar aggregate classification (germline): Uncertain significance (1 of 4 stars; one submission).

Conditions:
Coffin-Siris syndrome 12. Identifiers: MedGen C5444111, MONDO:0025699, OMIM 619325.

Submission:

Laboratorio de Genetica e Diagnostico Molecular, Hospital Israelita Albert Einstein
Classification: Uncertain significance for Coffin-Siris syndrome 12. Last evaluated: 2024-09-25. Review status: criteria provided, single submitter. Criteria: ACMG Guidelines, 2015. Collection method: clinical testing. Allele origin: germline. Affected: yes.
Comment: ACMG classification criteria: PM2 supporting, PP3 supporting